The following is an entry in ClinVar:

NM_000465.4(BARD1):c.569A>G (p.Asp190Gly)

Gene: BARD1 (BRCA1 associated RING domain 1; minus strand). Cytogenetic location: 2q35.
Variant type: single nucleotide variant.
Coding change: c.569A>G on transcript NM_000465.4 (MANE Select); coding-DNA position 569, A replaced by G.
Protein change: p.Asp190Gly; replaces aspartic acid 190 with glycine.
Molecular consequence: missense variant. On other transcripts: non-coding transcript variant (2), intron variant (3).
Genome position (GRCh38, 1-based): chr2:214,781,305, T>C on the plus strand (A>G on the coding strand, the complement: BARD1 is on the minus strand). VCF-style: chr2-214781305-T-C. GRCh37 (hg19) VCF-style: chr2-215646029-T-C.
Other names: c.512A>G, p.Asp171Gly (NM_001282543.2); c.158+28107A>G (NM_001282548.2); c.215+15756A>G (NM_001282545.2); c.364+10992A>G (NM_001282549.2); short protein forms D190G, D171G.
Identifiers: ClinVar variation 630486 (VCV000630486.12), dbSNP rs1559425762, ClinGen allele CA350456882.

ClinVar aggregate classification (germline): Uncertain significance. Review status: criteria provided, multiple submitters, no conflicts (2 of 4 stars). 3 submissions from 3 submitters: Uncertain significance (3). Last evaluated 2025-10-23.

Conditions:
Hereditary cancer-predisposing syndrome. Also called: Tumor predisposition; Neoplastic Syndromes, Hereditary; Hereditary neoplastic syndrome; Hereditary Cancer Syndrome. Identifiers: Orphanet 140162, MedGen C0027672, MeSH D009386, MONDO:0015356.
Familial cancer of breast. Also called: hereditary breast carcinoma; BREAST CANCER, FAMILIAL; Hereditary breast cancer. Identifiers: Orphanet 227535, MedGen C0346153, MONDO:0016419, OMIM 114480. Disease mechanism: loss of function.

Allele frequency attached by ClinVar (database versions not stated): TOPMed below 0.00001.

Submissions (3):

Quest Diagnostics Nichols Institute San Juan Capistrano
Classification: Uncertain significance. Last evaluated: 2025-10-23. Review status: criteria provided, single submitter. Criteria: Quest Diagnostics criteria. Collection method: clinical testing. Allele origin: unknown.
Comment: The BARD1 c.569A>G (p.Asp190Gly) variant has been reported in the published literature in an individual with biliary tract cancer (PMID: 36243179 (2023)). This variant has not been reported in large, multi-ethnic general populations (Genome Aggregation Database). Analysis of this variant using bioinformatics tools for the prediction of the effect of amino acid changes on protein structure and function yielded predictions that this variant is benign. Additional analysis using software algorithms for the prediction of the effect of nucleotide changes on BARD1 mRNA splicing yielded predictions that this variant may result in the gain of a cryptic splice site without affecting the natural splice sites. Based on the available information, we are unable to determine the clinical significance of this variant.

Color Diagnostics, LLC DBA Color Health
Classification: Uncertain significance for Hereditary cancer-predisposing syndrome. Last evaluated: 2023-12-05. Review status: criteria provided, single submitter. Criteria: ACMG Guidelines, 2015. Collection method: clinical testing. Allele origin: germline.
Comment: This missense variant replaces aspartic acid with glycine at codon 190 of the BARD1 protein. Computational prediction suggests that this variant may not impact protein structure and function (internally defined REVEL score threshold <= 0.5, PMID: 27666373). To our knowledge, functional studies have not been reported for this variant. This variant has not been reported in individuals affected with BARD1-related disorders in the literature. This variant has not been identified in the general population by the Genome Aggregation Database (gnomAD). The available evidence is insufficient to determine the role of this variant in disease conclusively. Therefore, this variant is classified as a Variant of Uncertain Significance.

Labcorp Genetics (formerly Invitae), Labcorp
Classification: Uncertain significance for Familial cancer of breast. Last evaluated: 2021-09-01. Review status: criteria provided, single submitter. Criteria: Invitae Variant Classification Sherloc (09022015). Collection method: clinical testing. Allele origin: germline.
Comment: This sequence change replaces aspartic acid with glycine at codon 190 of the BARD1 protein (p.Asp190Gly). The aspartic acid residue is weakly conserved and there is a moderate physicochemical difference between aspartic acid and glycine. This variant is not present in population databases (ExAC no frequency). This variant has not been reported in the literature in individuals affected with BARD1-related conditions. ClinVar contains an entry for this variant (Variation ID: 630486). Algorithms developed to predict the effect of missense changes on protein structure and function output the following: SIFT: "Tolerated"; PolyPhen-2: "Benign"; Align-GVGD: "Class C0". The glycine amino acid residue is found in multiple mammalian species, which suggests that this missense change does not adversely affect protein function. Algorithms developed to predict the effect of sequence changes on RNA splicing suggest that this variant may create or strengthen a splice site. In summary, the available evidence is currently insufficient to determine the role of this variant in disease. Therefore, it has been classified as a Variant of Uncertain Significance.

Literature cited by the submitters: PubMed 36243179 (cited by Quest Diagnostics Nichols Institute San Juan Capistrano).